The following is an entry in ClinVar:

NM_021224.6(ZNF462):c.6601G>A (p.Gly2201Ser)

Gene: ZNF462 (zinc finger protein 462; plus strand). Cytogenetic location: 9q31.2.
Variant type: single nucleotide variant.
Coding change: c.6601G>A on transcript NM_021224.6 (MANE Select); coding-DNA position 6601, G replaced by A.
Protein change: p.Gly2201Ser; replaces glycine 2201 with serine.
Molecular consequence: missense variant.
Genome position (GRCh38, 1-based): chr9:106,972,178, G>A. VCF-style: chr9-106972178-G-A. GRCh37 (hg19) VCF-style: chr9-109734459-G-A.
Other names: c.6601G>A (NM_021224.4, NM_021224.5); c.4006G>A, p.Gly1336Ser (NM_001347997.2); short protein forms G1336S, G2201S.
Identifiers: ClinVar variation 1696548 (VCV001696548.3), dbSNP rs1240557088, ClinGen allele CA374659728.
Genomic context (GRCh38, chr9:106,972,178, plus strand): 5'-GCTGGCACTGAGCAGAAAACTGAAGCCGTGCTTCACTGCGAATTCTGTGAATTCTCCTCC[G>A]GCTACATCCAGAGCATCAGGCGTCATTACCGGGACAAGCATGGTGGGAAGAAGCTTTTCA-3'
Protein context (NP_067047.4, residues 2191-2211): LHCEFCEFSS[Gly2201Ser]YIQSIRRHYR

ClinVar aggregate classification (germline): Uncertain significance. Review status: criteria provided, multiple submitters, no conflicts (2 of 4 stars). 3 submissions from 3 submitters: Uncertain significance (3). Last evaluated 2025-05-15.

Conditions:
ZNF462-related disorder. Also called: ZNF462-related condition; ZNF462 related disease.
Weiss-Kruszka syndrome. Also called: Metopic ridging-ptosis-facial dysmorphism syndrome. Identifiers: Orphanet 502430, MedGen C5568107, MONDO:0032836, OMIM 618619.
Inborn genetic diseases. Identifiers: MedGen C0950123, MeSH D030342.

Allele frequency attached by ClinVar (database versions not stated): gnomAD 0.00002; TOPMed 0.00005.
gnomAD v4.1: 8 of 1,614,026 alleles (0.0005%); highest among the groups gnomAD compares: East Asian, 0.0022%; no homozygotes.

Submissions (3):

PreventionGenetics, part of Exact Sciences
Classification: Uncertain significance for ZNF462-related condition. Last evaluated: 2025-05-15. Review status: criteria provided, single submitter. Criteria: ACMG Guidelines, 2015. Collection method: clinical testing. Allele origin: germline.
Comment: The ZNF462 c.6601G>A variant is predicted to result in the amino acid substitution p.Gly2201Ser. To our knowledge, this variant has not been reported in the literature or in a large population database, indicating this variant is rare. At this time, the clinical significance of this variant is uncertain due to the absence of conclusive functional and genetic evidence.

Ambry Genetics
Classification: Uncertain significance for Inborn genetic diseases. Last evaluated: 2024-09-10. Review status: criteria provided, single submitter. Criteria: Ambry Variant Classification Scheme 2023. Collection method: clinical testing. Allele origin: germline.

New York Genome Center
Classification: Uncertain significance for Weiss-Kruszka syndrome. Last evaluated: 2021-07-16. Review status: criteria provided, single submitter. Criteria: NYGC Assertion Criteria 2020. Collection method: clinical testing. Allele origin: inherited. Observed: 1 heterozygote. Study: CSER-NYCKidSeq.